The following is an entry in ClinVar:

NM_006005.3(WFS1):c.1469C>T (p.Thr490Ile)

Gene: WFS1 (wolframin ER transmembrane glycoprotein; plus strand). Cytogenetic location: 4p16.1.
Variant type: single nucleotide variant.
Coding change: c.1469C>T on transcript NM_006005.3 (MANE Select); coding-DNA position 1469, C replaced by T.
Protein change: p.Thr490Ile; replaces threonine 490 with isoleucine.
Molecular consequence: missense variant.
Genome position (GRCh38, 1-based): chr4:6,301,264, C>T. VCF-style: chr4-6301264-C-T. GRCh37 (hg19) VCF-style: chr4-6302991-C-T.
Other names: c.1469C>T, p.Thr490Ile (NM_001145853.1); short protein forms T490I.
Identifiers: ClinVar variation 3613008 (VCV003613008.2).

ClinVar aggregate classification (germline): Uncertain significance (1 of 4 stars; one submission).

Submission:

Labcorp Genetics (formerly Invitae), Labcorp
Classification: Uncertain significance. Last evaluated: 2026-01-18. Review status: criteria provided, single submitter. Criteria: Invitae Variant Classification Sherloc (09022015). Collection method: clinical testing. Allele origin: germline.
Comment: This sequence change replaces threonine, which is neutral and polar, with isoleucine, which is neutral and non-polar, at codon 490 of the WFS1 protein (p.Thr490Ile). This variant is not present in population databases (gnomAD no frequency). This variant has not been reported in the literature in individuals affected with WFS1-related conditions. ClinVar contains an entry for this variant (Variation ID: 3613008). Invitae Evidence Modeling of protein sequence and biophysical properties (such as structural, functional, and spatial information, amino acid conservation, physicochemical variation, residue mobility, and thermodynamic stability) indicates that this missense variant is not expected to disrupt WFS1 protein function with a negative predictive value of 95%. In summary, the available evidence is currently insufficient to determine the role of this variant in disease. Therefore, it has been classified as a Variant of Uncertain Significance.